The following is an entry in ClinVar:

NM_002335.4(LRP5):c.61del (p.Ala21fs)

Gene: LRP5 (LDL receptor related protein 5; plus strand). Cytogenetic location: 11q13.2.
Variant type: Deletion.
Coding change: c.61del on transcript NM_002335.4 (MANE Select); coding-DNA position 61, one base deleted (G; older notation c.61delG).
Protein change: p.Ala21fs; shifts the reading frame from alanine 21.
Molecular consequence: frameshift variant. On other transcripts: 5 prime UTR variant (1).
Genome position (GRCh38, 1-based): chr11:68,312,775, G deleted; the last of 2 consecutive G bases (chr11:68,312,774-68,312,775); deleting either gives the same sequence. VCF-style (leftmost placement, unchanged base first): chr11-68312773-TG-T. GRCh37 (hg19) VCF-style: chr11-68080241-TG-T.
Other names: c.-1705del (NM_001291902.2); short protein forms A21fs.
Identifiers: ClinVar variation 4880578 (VCV004880578.2).
Genomic context (GRCh38, chr11:68,312,773, plus strand): 5'-ACATGGAGGCAGCGCCGCCCGGGCCGCCGTGGCCGCTGCTGCTGCTGCTGCTGCTGCTGC[TG>T]GCGCTGTGCGGCTGCCCGGCCCCCGCCGCGGGTAGGTGGGCGCAGGCCGGCCGGGGGCCG-3'

ClinVar aggregate classification (germline): Likely pathogenic (1 of 4 stars; one submission).

Submission:

Dasa
Classification: Likely pathogenic. Last evaluated: 2025-07-16. Review status: criteria provided, single submitter. Criteria: DASA Assertion Criteria. Collection method: clinical testing. Allele origin: germline.
Comment: NM_002335.4(LRP5):c.61del (p.Ala21Argfs*62) is a frameshift variant in LRP5 predicted to alter the reading frame and introduce a premature termination codon and is predicted to result in an absent or altered protein product. Loss of function is an established disease mechanism for LRP5-associated disorders. Also, this variant is absent from population databases. Based on the currently available evidence, this variant is classified as likely pathogenic.